The following is an entry in ClinVar:

NM_000059.4(BRCA2):c.949del (p.Thr317fs)

Gene: BRCA2 (BRCA2 DNA repair associated; plus strand). Cytogenetic location: 13q13.1.
Variant type: Deletion.
Coding change: c.949del on transcript NM_000059.4 (MANE Select); coding-DNA position 949, one base deleted (A; older notation c.949delA).
Protein change: p.Thr317fs; shifts the reading frame from threonine 317.
Molecular consequence: frameshift variant.
Genome position (GRCh38, 1-based): chr13:32,332,427, A deleted; the last of 2 consecutive A bases (chr13:32,332,426-32,332,427); deleting either gives the same sequence. VCF-style (leftmost placement, unchanged base first): chr13-32332425-GA-G. GRCh37 (hg19) VCF-style: chr13-32906562-GA-G.
Other names: 1177delA; c.949delA (NM_000059.3); short protein forms T317fs.
Identifiers: ClinVar variation 267164 (VCV000267164.7), dbSNP rs886040843, ClinGen allele CA10589061.
Genomic context (GRCh38, chr13:32,332,425, plus strand): 5'-ATGAAACAGTTGTAGATACCTCTGAAGAAGATAGTTTTTCATTATGTTTTTCTAAATGTA[GA>G]ACAAAAAATCTACAAAAAGTAAGAACTAGCAAGACTAGGAAAAAAATTTTCCATGAAGCA-3'

ClinVar aggregate classification (germline): Pathogenic. Review status: reviewed by expert panel (3 of 4 stars). 3 submissions from 3 submitters: Pathogenic (1). 2 of the submissions do not count toward it. Last evaluated 2016-10-18.

Conditions:
Breast-ovarian cancer, familial, susceptibility to, 2 (BROVCA2). Also called: BRCA2 Hereditary Breast and Ovarian Cancer. Identifiers: Orphanet 145, MedGen C2675520, MONDO:0012933, OMIM 612555. Disease mechanism: loss of function.
Hereditary cancer-predisposing syndrome. Also called: Hereditary neoplastic syndrome; Neoplastic Syndromes, Hereditary; Tumor predisposition; Hereditary Cancer Syndrome. Identifiers: Orphanet 140162, MedGen C0027672, MeSH D009386, MONDO:0015356.

Submissions (3):

Evidence-based Network for the Interpretation of Germline Mutant Alleles (ENIGMA)
Classification: Pathogenic for Breast-ovarian cancer, familial, susceptibility to, 2. Last evaluated: 2016-10-18. Review status: reviewed by expert panel. Criteria: ENIGMA BRCA1/2 Classification Criteria (2015). Collection method: curation. Allele origin: germline.
Comment: Variant allele predicted to encode a truncated non-functional protein.

Ambry Genetics
Classification: Pathogenic for Hereditary cancer-predisposing syndrome. Last evaluated: 2016-12-22. Review status: criteria provided, single submitter. Criteria: Ambry Variant Classification Scheme 2023. Collection method: clinical testing. Allele origin: germline. Not counted in ClinVar's aggregate classification.
Comment: The c.949delA pathogenic mutation, located in coding exon 9 of the BRCA2 gene, results from a deletion of one nucleotide at nucleotide position 949, causing a translational frameshift with a predicted alternate stop codon (p.T317Qfs*7). This alteration is expected to result in loss of function by premature protein truncation or nonsense-mediated mRNA decay. As such, this alteration is interpreted as a disease-causing mutation.

Consortium of Investigators of Modifiers of BRCA1/2 (CIMBA), c/o University of Cambridge
Classification: Pathogenic for Breast-ovarian cancer, familial, susceptibility to, 2. Last evaluated: 2015-10-02. Review status: criteria provided, single submitter. Criteria: CIMBA Mutation Classification guidelines May 2016. Collection method: clinical testing. Allele origin: germline. Not counted in ClinVar's aggregate classification.